The following is an entry in ClinVar:

NM_004984.4(KIF5A):c.1174G>A (p.Glu392Lys)

Gene: KIF5A (kinesin family member 5A; plus strand). Cytogenetic location: 12q13.3.
Variant type: single nucleotide variant.
Coding change: c.1174G>A on transcript NM_004984.4 (MANE Select); coding-DNA position 1174, G replaced by A.
Protein change: p.Glu392Lys; replaces glutamic acid 392 with lysine.
Molecular consequence: missense variant.
Genome position (GRCh38, 1-based): chr12:57,570,043, G>A. VCF-style: chr12-57570043-G-A. GRCh37 (hg19) VCF-style: chr12-57963826-G-A.
Other names: c.907G>A, p.Glu303Lys (NM_001354705.2); short protein forms E303K, E392K.
Identifiers: ClinVar variation 4761379 (VCV004761379.1).

ClinVar aggregate classification (germline): Uncertain significance (1 of 4 stars; one submission).

Conditions:
Spastic paraplegia. Identifiers: MedGen C0037772, HP:0001258.

Submission:

Labcorp Genetics (formerly Invitae), Labcorp
Classification: Uncertain significance for Spastic paraplegia. Last evaluated: 2025-04-11. Review status: criteria provided, single submitter. Criteria: Invitae Variant Classification Sherloc (09022015). Collection method: clinical testing. Allele origin: germline.
Comment: This sequence change replaces glutamic acid, which is acidic and polar, with lysine, which is basic and polar, at codon 392 of the KIF5A protein (p.Glu392Lys). This variant is present in population databases (rs541181624, gnomAD 0.0009%). This variant has not been reported in the literature in individuals affected with KIF5A-related conditions. Invitae Evidence Modeling of protein sequence and biophysical properties (such as structural, functional, and spatial information, amino acid conservation, physicochemical variation, residue mobility, and thermodynamic stability) indicates that this missense variant is not expected to disrupt KIF5A protein function with a negative predictive value of 95%. In summary, the available evidence is currently insufficient to determine the role of this variant in disease. Therefore, it has been classified as a Variant of Uncertain Significance.